The following is an entry in ClinVar:

NM_194248.3(OTOF):c.5161C>A (p.Pro1721Thr)

Genes: OTOF (otoferlin; minus strand), LOC112840921 (BRD4-independent group 4 enhancer GRCh37_chr2:26685720-26686919; plus strand). Cytogenetic location: 2p23.3.
Variant type: single nucleotide variant.
Coding change: c.5161C>A on transcript NM_194248.3 (MANE Select); coding-DNA position 5161, C replaced by A.
Protein change: p.Pro1721Thr; replaces proline 1721 with threonine.
Molecular consequence: missense variant.
Genome position (GRCh38, 1-based): chr2:26,463,514, G>T on the plus strand (C>A on the coding strand, the complement: OTOF is on the minus strand). VCF-style: chr2-26463514-G-T. GRCh37 (hg19) VCF-style: chr2-26686382-G-T.
Other names: c.5161C>A, p.Pro1721Thr (NM_001287489.2); c.2860C>A, p.Pro954Thr (NM_004802.4, NM_194323.3); c.3091C>A, p.Pro1031Thr (NM_194322.3); short protein forms P1031T, P954T, P1721T.
Identifiers: ClinVar variation 4777733 (VCV004777733.1).

ClinVar aggregate classification (germline): Uncertain significance (1 of 4 stars; one submission).

gnomAD v4.1: 2 of 1,608,512 alleles (0.00012%); highest among the groups gnomAD compares: East Asian, 0.0022%; no homozygotes.

Submission:

Labcorp Genetics (formerly Invitae), Labcorp
Classification: Uncertain significance. Last evaluated: 2026-01-22. Review status: criteria provided, single submitter. Criteria: Invitae Variant Classification Sherloc (09022015). Collection method: clinical testing. Allele origin: germline.
Comment: This sequence change replaces proline, which is neutral and non-polar, with threonine, which is neutral and polar, at codon 1721 of the OTOF protein (p.Pro1721Thr). This variant is not present in population databases (gnomAD no frequency). This variant has not been reported in the literature in individuals affected with OTOF-related conditions. Invitae Evidence Modeling of protein sequence and biophysical properties (such as structural, functional, and spatial information, amino acid conservation, physicochemical variation, residue mobility, and thermodynamic stability) indicates that this missense variant is not expected to disrupt OTOF protein function with a negative predictive value of 80%. In summary, the available evidence is currently insufficient to determine the role of this variant in disease. Therefore, it has been classified as a Variant of Uncertain Significance.